The following is an entry in ClinVar:

NM_013382.7(POMT2):c.1238G>A (p.Arg413Gln)

Gene: POMT2 (protein O-mannosyltransferase 2; minus strand). Cytogenetic location: 14q24.3.
Variant type: single nucleotide variant.
Coding change: c.1238G>A on transcript NM_013382.7 (MANE Select); coding-DNA position 1238, G replaced by A.
Protein change: p.Arg413Gln; replaces arginine 413 with glutamine.
Molecular consequence: missense variant.
Genome position (GRCh38, 1-based): chr14:77,288,777, C>T on the plus strand (G>A on the coding strand, the complement: POMT2 is on the minus strand). VCF-style: chr14-77288777-C-T. GRCh37 (hg19) VCF-style: chr14-77755120-C-T.
Other names: short protein forms R413Q.
Identifiers: ClinVar variation 856880 (VCV000856880.8), dbSNP rs190285831, ClinGen allele CA390518240.

ClinVar aggregate classification (germline): Uncertain significance. Review status: criteria provided, multiple submitters, no conflicts (2 of 4 stars). 2 submissions from 2 submitters: Uncertain significance (2). Last evaluated 2022-05-16.

Conditions:
Muscular dystrophy-dystroglycanopathy (congenital with brain and eye anomalies), type A2. Also called: MUSCULAR DYSTROPHY-DYSTROGLYCANOPATHY (CONGENITAL WITH BRAIN AND EYE ANOMALIES), TYPE A, 2; WALKER-WARBURG SYNDROME OR MUSCLE-EYE-BRAIN DISEASE, POMT2-RELATED. Identifiers: Orphanet 588, Orphanet 899, MedGen C3150411, MONDO:0013154, OMIM 613150.
Muscular dystrophy-dystroglycanopathy (congenital with impaired intellectual development), type B, 2. Also called: MUSCULAR DYSTROPHY, CONGENITAL, POMT2-RELATED; Muscular dystrophy-dystroglycanopathy (congenital with intellectual disability), type B2. Identifiers: MedGen C3150416, MONDO:0013160, OMIM 613156.
Autosomal recessive limb-girdle muscular dystrophy type 2N. Also called: MUSCULAR DYSTROPHY-DYSTROGLYCANOPATHY, LIMB-GIRDLE, POMT2-RELATED; Muscular dystrophy-dystroglycanopathy (limb-girdle), type C, 2. Identifiers: Orphanet 206559, MedGen C3150418, MONDO:0013162, OMIM 613158.

gnomAD v4.1: 16 of 1,613,644 alleles (0.00099%); highest among the groups gnomAD compares: African/African-American, 0.0013%; no homozygotes.

Submissions (2):

GeneDx
Classification: Uncertain significance. Last evaluated: 2022-05-16. Review status: criteria provided, single submitter. Criteria: GeneDx Variant Classification Process June 2021. Collection method: clinical testing. Allele origin: germline. Affected: yes.
Comment: Not observed at significant frequency in large population cohorts (gnomAD); In silico analysis supports that this missense variant has a deleterious effect on protein structure/function; Has not been previously published as pathogenic or benign to our knowledge

Labcorp Genetics (formerly Invitae), Labcorp
Classification: Uncertain significance for Muscular dystrophy-dystroglycanopathy (congenital with impaired intellectual development), type B, 2; Muscular dystrophy-dystroglycanopathy (congenital with brain and eye anomalies), type A2; Autosomal recessive limb-girdle muscular dystrophy type 2N. Last evaluated: 2021-08-31. Review status: criteria provided, single submitter. Criteria: Invitae Variant Classification Sherloc (09022015). Collection method: clinical testing. Allele origin: germline.
Comment: This sequence change replaces arginine with glutamine at codon 413 of the POMT2 protein (p.Arg413Gln). The arginine residue is highly conserved and there is a small physicochemical difference between arginine and glutamine. This variant is not present in population databases (ExAC no frequency). This variant has not been reported in the literature in individuals affected with POMT2-related conditions. Algorithms developed to predict the effect of missense changes on protein structure and function (SIFT, PolyPhen-2, Align-GVGD) all suggest that this variant is likely to be disruptive. In summary, the available evidence is currently insufficient to determine the role of this variant in disease. Therefore, it has been classified as a Variant of Uncertain Significance.